The following is an entry in ClinVar:

ClinVar aggregate classification (germline): Uncertain significance (1 of 4 stars; one submission).

gnomAD v4.1: 14 of 1,611,132 alleles (0.00087%); highest among the groups gnomAD compares: Admixed American, 0.015%; no homozygotes.

Submission:

Labcorp Genetics (formerly Invitae), Labcorp
Classification: Uncertain significance. Last evaluated: 2025-03-04. Review status: criteria provided, single submitter. Criteria: Invitae Variant Classification Sherloc (09022015). Collection method: clinical testing. Allele origin: germline.
Comment: This sequence change replaces serine, which is neutral and polar, with tyrosine, which is neutral and polar, at codon 303 of the SALL2 protein (p.Ser303Tyr). This variant is present in population databases (rs764790797, gnomAD 0.0009%). This variant has not been reported in the literature in individuals affected with SALL2-related conditions. An algorithm developed to predict the effect of missense changes on protein structure and function (PolyPhen-2) suggests that this variant is likely to be disruptive. In summary, the available evidence is currently insufficient to determine the role of this variant in disease. Therefore, it has been classified as a Variant of Uncertain Significance.

NM_001364564.1(SALL2):c.902C>A (p.Ser301Tyr)

Gene: SALL2 (spalt like transcription factor 2; minus strand). Cytogenetic location: 14q11.2.
Variant type: single nucleotide variant.
Coding change: c.902C>A on transcript NM_001364564.1 (MANE Select); coding-DNA position 902, C replaced by A.
Protein change: p.Ser301Tyr; replaces serine 301 with tyrosine.
Molecular consequence: missense variant.
Genome position (GRCh38, 1-based): chr14:21,524,820, G>T on the plus strand (C>A on the coding strand, the complement: SALL2 is on the minus strand). VCF-style: chr14-21524820-G-T. GRCh37 (hg19) VCF-style: chr14-21992954-G-T.
Other names: c.503C>A, p.Ser168Tyr (NM_001291446.2); c.497C>A, p.Ser166Tyr (NM_001291447.2); c.908C>A, p.Ser303Tyr (NM_005407.3); short protein forms S301Y, S166Y, S168Y, S303Y.
Identifiers: ClinVar variation 4709561 (VCV004709561.1).